The following is an entry in ClinVar:

ClinVar aggregate classification (germline): Likely benign. Review status: criteria provided, multiple submitters, no conflicts (2 of 4 stars). 2 submissions from 2 submitters: Likely benign (2). Last evaluated 2026-10-01.

Conditions:
Autosomal recessive limb-girdle muscular dystrophy type R18 (LGMDR18). Also called: Limb-girdle muscular dystrophy, type 2S; MUSCULAR DYSTROPHY, LIMB-GIRDLE, AUTOSOMAL RECESSIVE 18; Autosomal recessive limb-girdle muscular dystrophy type 2S. Identifiers: Orphanet 369840, MedGen C4517996, MONDO:0014144, OMIM 615356.

Allele frequency attached by ClinVar (database versions not stated): TOPMed 0.00001; ExAC 0.00002; gnomAD exomes 0.00002; ESP Exome Variant Server 0.00008.
gnomAD v4.1: 28 of 1,613,962 alleles (0.0017%); highest among the groups gnomAD compares: Non-Finnish European, 0.0022%; no homozygotes.

Submissions (2):

CeGaT Center for Human Genetics Tuebingen
Classification: Likely benign. Last evaluated: 2026-10-01. Review status: criteria provided, single submitter. Criteria: CeGaT Center For Human Genetics Tuebingen Variant Classification Criteria Version 2. Collection method: clinical testing. Allele origin: germline. Affected: yes. Observed: 1 variant allele.
Comment: TRAPPC11: BP4, BP7

Labcorp Genetics (formerly Invitae), Labcorp
Classification: Likely benign for Autosomal recessive limb-girdle muscular dystrophy type R18. Last evaluated: 2023-05-05. Review status: criteria provided, single submitter. Criteria: Invitae Variant Classification Sherloc (09022015). Collection method: clinical testing. Allele origin: germline.

NM_021942.6(TRAPPC11):c.3183C>T (p.Leu1061=)

Gene: TRAPPC11 (trafficking protein particle complex subunit 11; plus strand). Cytogenetic location: 4q35.1.
Variant type: single nucleotide variant.
Coding change: c.3183C>T on transcript NM_021942.6 (MANE Select); coding-DNA position 3183, C replaced by T.
Protein change: p.Leu1061=; no amino-acid change (leucine 1061 retained).
Molecular consequence: synonymous variant.
Genome position (GRCh38, 1-based): chr4:183,706,934, C>T. VCF-style: chr4-183706934-C-T. GRCh37 (hg19) VCF-style: chr4-184628087-C-T.
Other names: c.3183C>T, p.Leu1061= (NM_199053.3).
Identifiers: ClinVar variation 2857932 (VCV002857932.4), dbSNP rs373951254, ClinGen allele CA3152448.